The following is an entry in ClinVar:

NM_014874.4(MFN2):c.1108G>C (p.Glu370Gln)

Gene: MFN2 (mitofusin 2; plus strand). Cytogenetic location: 1p36.22.
Variant type: single nucleotide variant.
Coding change: c.1108G>C on transcript NM_014874.4 (MANE Select); coding-DNA position 1108, G replaced by C.
Protein change: p.Glu370Gln; replaces glutamic acid 370 with glutamine.
Molecular consequence: missense variant.
Genome position (GRCh38, 1-based): chr1:12,002,051, G>C. VCF-style: chr1-12002051-G-C. GRCh37 (hg19) VCF-style: chr1-12062108-G-C.
Other names: p.E370Q:GAG>CAG; c.1108G>C, p.Glu370Gln (NM_001127660.2); short protein forms E370Q.
Identifiers: ClinVar variation 214644 (VCV000214644.9), dbSNP rs377402479, ClinGen allele CA323742.
Genomic context (GRCh38, chr1:12,002,051, plus strand): 5'-TCCCAGTCTGCAGTGAAGACCAAGTTTGAGCAGCACACGGTCCGGGCCAAGCAGATTGCA[G>C]AGGCGGTTCGACTCATCATGGACTCCCTGCACATGGCGGCTCGGGAGCAGCAGTAAGAGT-3'
Protein context (NP_055689.1, residues 360-380): QHTVRAKQIA[Glu370Gln]AVRLIMDSLH

ClinVar aggregate classification (germline): Uncertain significance. Review status: criteria provided, multiple submitters, no conflicts (2 of 4 stars). 3 submissions from 3 submitters: Uncertain significance (3). Last evaluated 2025-04-16.

Conditions:
Charcot-Marie-Tooth disease type 2. Also called: Charcot-Marie-Tooth type 2. Identifiers: Orphanet 64746, MedGen C0270914, MONDO:0018993.

Allele frequency attached by ClinVar (database versions not stated): gnomAD exomes 0.00001; TOPMed 0.00003; ESP Exome Variant Server 0.00008; ExAC 0.00001; gnomAD 0.00003 and 0.00004.
gnomAD v4.1: 33 of 1,614,128 alleles (0.002%); highest among the groups gnomAD compares: African/African-American, 0.0027%; no homozygotes.

Submissions (3):

ARUP Laboratories, Molecular Genetics and Genomics, ARUP Laboratories
Classification: Uncertain significance. Last evaluated: 2025-04-16. Review status: criteria provided, single submitter. Criteria: ARUP Molecular Germline Variant Investigation Process 2024. Collection method: clinical testing. Allele origin: germline.
Comment: The MFN2 c.1108G>C; p.Glu370Gln variant (rs377402479), to our knowledge, is not reported in the medical literature but is reported in ClinVar (Variation ID: 214644). This variant is found in the general population with an overall allele frequency of 0.001% (4/282,898 alleles) in the Genome Aggregation Database (v2.1.1). Computational analyses are uncertain whether this variant is neutral or deleterious (REVEL: 0.486). Due to limited information, the clinical significance of this variant is uncertain at this time.

Labcorp Genetics (formerly Invitae), Labcorp
Classification: Uncertain significance for Charcot-Marie-Tooth disease type 2. Last evaluated: 2024-04-04. Review status: criteria provided, single submitter. Criteria: Invitae Variant Classification Sherloc (09022015). Collection method: clinical testing. Allele origin: germline.
Comment: This sequence change replaces glutamic acid, which is acidic and polar, with glutamine, which is neutral and polar, at codon 370 of the MFN2 protein (p.Glu370Gln). This variant is present in population databases (rs377402479, gnomAD 0.004%). This variant has not been reported in the literature in individuals affected with MFN2-related conditions. ClinVar contains an entry for this variant (Variation ID: 214644). Advanced modeling of protein sequence and biophysical properties (such as structural, functional, and spatial information, amino acid conservation, physicochemical variation, residue mobility, and thermodynamic stability) has been performed at Invitae for this missense variant, however the output from this modeling did not meet the statistical confidence thresholds required to predict the impact of this variant on MFN2 protein function. In summary, the available evidence is currently insufficient to determine the role of this variant in disease. Therefore, it has been classified as a Variant of Uncertain Significance.

GeneDx
Classification: Uncertain significance. Last evaluated: 2013-09-17. Review status: criteria provided, single submitter. Criteria: GeneDx Variant Classification (06012015). Collection method: clinical testing. Allele origin: germline. Affected: yes.
Comment: p.Glu370Gln (GAG>CAG): c.1108 G>C in exon 11 of the MFN2 gene (NM_014874.3). The E370Q missense substitution has not been published as a mutation, nor has it been reported as a benign polymorphism to our knowledge. The NHLBI ESP Exome Variant Server reports E370Q was observed in 1/4406 alleles from individuals of African-American background, while E370Q has not been reported in the 1000 Genomes Database. The amino acid change is non-conservative in that a negatively charged Glutamic Acid residue is replaced by an uncharged Glutamine residue. This change occurs at a position in the MFN2 protein that is not highly conserved. In-silico analyses are not consistent in their predictions of whether or not E370Q is damaging to the MFN2 protein. Therefore, based on the currently available information, it is unclear whether E370Q is a disease-causing mutation or a rare benign variant. The variant is found in MITONUC-MITOP panel(s).